The following is an entry in ClinVar:

ClinVar aggregate classification (germline): Likely benign (0 of 4 stars; one submission).

Conditions:
TRPC5-related disorder. Also called: TRPC5-related condition.

Allele frequency attached by ClinVar (database versions not stated): gnomAD exomes 0.00007; ExAC 0.00021; ESP Exome Variant Server 0.00047; gnomAD 0.00059; 1000 Genomes Project 30x 0.00062; TOPMed 0.00065; 1000 Genomes Project 0.00079.
gnomAD v4.1: 153 of 1,207,371 alleles (0.013%); highest among the groups gnomAD compares: African/African-American, 0.23%; no homozygotes.

Submission:

PreventionGenetics, part of Exact Sciences
Classification: Likely benign for TRPC5-related condition. Last evaluated: 2022-04-26. Review status: no assertion criteria provided. Collection method: clinical testing. Allele origin: germline.
Comment: This variant is classified as likely benign based on ACMG/AMP sequence variant interpretation guidelines (Richards et al. 2015 PMID: 25741868, with internal and published modifications).

NM_012471.3(TRPC5):c.1309C>T (p.Leu437=)

Gene: TRPC5 (transient receptor potential cation channel subfamily C member 5; minus strand). Cytogenetic location: Xq23.
Variant type: single nucleotide variant.
Coding change: c.1309C>T on transcript NM_012471.3 (MANE Select); coding-DNA position 1309, C replaced by T.
Protein change: p.Leu437=; no amino-acid change (leucine 437 retained).
Molecular consequence: synonymous variant.
Genome position (GRCh38, 1-based): chrX:111,852,366, G>A on the plus strand (C>T on the coding strand, the complement: TRPC5 is on the minus strand). VCF-style: chrX-111852366-G-A. GRCh37 (hg19) VCF-style: chrX-111095594-G-A.
Identifiers: ClinVar variation 3046877 (VCV003046877.2), dbSNP rs149860804, ClinGen allele CA10494319.
Genomic context (GRCh38, chrX:111,852,366, plus strand): 5'-AGGCCACAATCTTCAGGGAAATAGTTGCCAGGTAGAGGGAGTTCATTGCAAAATCCATCA[G>A]GTTCCACCAGTCATGGATGTATTCAGTAAATCCACCATCCCACATTTCCTTAATCTCACC-3'
Protein context (NP_036603.1, residues 427-447): FTEYIHDWWN[Leu437=]MDFAMNSLYL